The following is an entry in ClinVar:

NM_004525.3(LRP2):c.3430+10G>A

Gene: LRP2 (LDL receptor related protein 2; minus strand). Cytogenetic location: 2q31.1.
Variant type: single nucleotide variant.
Coding change: c.3430+10G>A on transcript NM_004525.3 (MANE Select); 10 bases into the intron after coding-DNA position 3430, G replaced by A.
Molecular consequence: intron variant.
Genome position (GRCh38, 1-based): chr2:169,244,683, C>T on the plus strand (G>A on the coding strand, the complement: LRP2 is on the minus strand). VCF-style: chr2-169244683-C-T. GRCh37 (hg19) VCF-style: chr2-170101193-C-T.
Identifiers: ClinVar variation 788695 (VCV000788695.13), dbSNP rs375941769, ClinGen allele CA1955049.

ClinVar aggregate classification (germline): Benign/Likely benign. Review status: criteria provided, multiple submitters, no conflicts (2 of 4 stars). 4 submissions from 4 submitters: Benign (1); Likely benign (3). Last evaluated 2026-05-29.

Conditions:
LRP2-related disorder. Also called: LRP2-related condition.
Donnai-Barrow syndrome. Also called: DBS/FOAR SYNDROME; FACIOOCULOACOUSTICORENAL SYNDROME. Identifiers: Orphanet 2143, MedGen C1857277, MONDO:0009104, OMIM 222448.

Allele frequency attached by ClinVar (database versions not stated): gnomAD 0.00001 and 0.00002; ESP Exome Variant Server 0.00008; TOPMed 0.00011; 1000 Genomes Project 30x 0.00016; ExAC 0.00018; 1000 Genomes Project 0.00020; gnomAD exomes 0.00021.
gnomAD v4.1: 60 of 1,614,206 alleles (0.0037%); highest among the groups gnomAD compares: Admixed American, 0.092%; 1 homozygote.

Submissions (4):

PreventionGenetics, part of Exact Sciences
Classification: Likely benign for LRP2-related condition. Last evaluated: 2026-05-29. Review status: criteria provided, single submitter. Criteria: ACMG Guidelines, 2015. Collection method: clinical testing. Allele origin: germline.
Comment: This variant is classified as likely benign based on ACMG/AMP sequence variant interpretation guidelines (Richards et al. 2015 PMID: 25741868, with internal and published modifications).

Labcorp Genetics (formerly Invitae), Labcorp
Classification: Benign. Last evaluated: 2025-12-20. Review status: criteria provided, single submitter. Criteria: Invitae Variant Classification Sherloc (09022015). Collection method: clinical testing. Allele origin: germline.

Blueprint Genetics
Classification: Likely benign. Last evaluated: 2022-10-26. Review status: criteria provided, single submitter. Criteria: ACMG Guidelines, 2015. Collection method: clinical testing. Allele origin: germline.

Fulgent Genetics
Classification: Likely benign for Donnai-Barrow syndrome. Last evaluated: 2021-12-14. Review status: criteria provided, single submitter. Criteria: ACMG Guidelines, 2015. Collection method: clinical testing. Allele origin: unknown.